The following is an entry in ClinVar:

NM_000038.6(APC):c.6650T>G (p.Leu2217Arg)

Gene: APC (APC regulator of Wnt signaling pathway; plus strand). Cytogenetic location: 5q22.2.
Variant type: single nucleotide variant.
Coding change: c.6650T>G on transcript NM_000038.6 (MANE Select); coding-DNA position 6650, T replaced by G.
Protein change: p.Leu2217Arg; replaces leucine 2217 with arginine.
Molecular consequence: missense variant. On other transcripts: non-coding transcript variant (2).
Genome position (GRCh38, 1-based): chr5:112,842,244, T>G. VCF-style: chr5-112842244-T-G. GRCh37 (hg19) VCF-style: chr5-112177941-T-G.
Other names: c.6650T>G, p.Leu2217Arg (NM_001127510.3, NM_001354895.2, NM_001407450.1); c.6596T>G, p.Leu2199Arg (NM_001127511.3); c.6704T>G, p.Leu2235Arg (NM_001354896.2, NM_001407447.1, NM_001407448.1 and 1 more transcripts); c.6680T>G, p.Leu2227Arg (NM_001354897.2); c.6575T>G, p.Leu2192Arg (NM_001354898.2); c.6566T>G, p.Leu2189Arg (NM_001354899.2); c.6527T>G, p.Leu2176Arg (NM_001354900.2); c.6473T>G, p.Leu2158Arg (NM_001354901.2, NM_001407453.1); and 11 more; short protein forms L2088R, L2134R, L2192R, L2235R, L2116R, L2158R, L2227R, L1934R.
Identifiers: ClinVar variation 3686239 (VCV003686239.2).

ClinVar aggregate classification (germline): Uncertain significance (1 of 4 stars; one submission).

Conditions:
Familial adenomatous polyposis 1 (FAP1). Also called: POLYPOSIS, ADENOMATOUS INTESTINAL; FAMILIAL ADENOMATOUS POLYPOSIS 1, ATTENUATED. Identifiers: MedGen C2713442, MONDO:0021056, OMIM 175100. Disease mechanism: loss of function.

Submission:

Labcorp Genetics (formerly Invitae), Labcorp
Classification: Uncertain significance for Familial adenomatous polyposis 1. Last evaluated: 2024-06-25. Review status: criteria provided, single submitter. Criteria: Invitae Variant Classification Sherloc (09022015). Collection method: clinical testing. Allele origin: germline.
Comment: This sequence change replaces leucine, which is neutral and non-polar, with arginine, which is basic and polar, at codon 2217 of the APC protein (p.Leu2217Arg). This variant is not present in population databases (gnomAD no frequency). This variant has not been reported in the literature in individuals affected with APC-related conditions. Advanced modeling of protein sequence and biophysical properties (such as structural, functional, and spatial information, amino acid conservation, physicochemical variation, residue mobility, and thermodynamic stability) performed at Invitae indicates that this missense variant is not expected to disrupt APC protein function with a negative predictive value of 95%. In summary, the available evidence is currently insufficient to determine the role of this variant in disease. Therefore, it has been classified as a Variant of Uncertain Significance.